The following is an entry in ClinVar:

ClinVar aggregate classification (germline): Pathogenic. Review status: criteria provided, single submitter (1 of 4 stars). 2 submissions from 2 submitters: Pathogenic (1). 1 of the submissions does not count toward it. Last evaluated 2023-06-09.

Conditions:
Stickler syndrome, type I, nonsyndromic ocular. Also called: STICKLER SYNDROME, ATYPICAL; STICKLER SYNDROME, TYPE I, PREDOMINANTLY OCULAR. Identifiers: MedGen C1836080, MONDO:0012287, OMIM 609508.

Submissions (2):

Labcorp Genetics (formerly Invitae), Labcorp
Classification: Pathogenic. Last evaluated: 2023-06-09. Review status: criteria provided, single submitter. Criteria: Invitae Variant Classification Sherloc (09022015). Collection method: clinical testing. Allele origin: germline.
Comment: This sequence change creates a premature translational stop signal (p.Cys57*) in the COL2A1 gene. It is expected to result in an absent or disrupted protein product. Loss-of-function variants in COL2A1 are known to be pathogenic (PMID: 20179744). This variant is not present in population databases (gnomAD no frequency). This premature translational stop signal has been observed in individual(s) with clinical features of COL2A1-related disorders (PMID: 11812423). Algorithms developed to predict the effect of sequence changes on RNA splicing suggest that this variant may disrupt the consensus splice site. For these reasons, this variant has been classified as Pathogenic.

OMIM
Classification: Pathogenic for STICKLER SYNDROME, TYPE I, NONSYNDROMIC OCULAR. Last evaluated: 2006-07-01. Review status: no assertion criteria provided. Collection method: literature only. Allele origin: germline. Not counted in ClinVar's aggregate classification.

Literature cited by the submitters: PubMed 20179744 (cited by Labcorp Genetics (formerly Invitae), Labcorp); PubMed 11812423 (cited by Labcorp Genetics (formerly Invitae), Labcorp and OMIM); PubMed 14338642 (cited by OMIM); PubMed 16752401 (cited by OMIM).

NM_001844.5(COL2A1):c.171_172del (p.Cys57_Asp58delinsTer)

Gene: COL2A1 (collagen type II alpha 1 chain; minus strand). Cytogenetic location: 12q13.11.
Variant type: Microsatellite.
Coding change: c.171_172del on transcript NM_001844.5 (MANE Select); coding-DNA positions 171 to 172, 2 bases deleted (TG; older notation c.171_172delTG).
Protein change: p.Cys57_Asp58delinsTer.
Molecular consequence: nonsense. On other transcripts: intron variant (1).
Genome position (GRCh38, 1-based): chr12:48,000,039-48,000,040, CA deleted on the plus strand (TG on the coding strand, the reverse complement: COL2A1 is on the minus strand); deleting any 2 consecutive bases within chr12:48,000,039-48,000,042 gives the same sequence; the c. name uses the placement nearest the transcript's 3' end. VCF-style (leftmost placement, unchanged base first): chr12-48000038-TCA-T. GRCh37 (hg19) VCF-style: chr12-48393821-TCA-T.
Other names: c.86-1609_86-1608del (NM_033150.3).
Identifiers: ClinVar variation 17386 (VCV000017386.4), dbSNP rs2136637244, ClinGen allele CA2575138679.
Genomic context (GRCh38, chr12:48,000,038, plus strand): 5'-GGGCTGAGGCAGTCTTTCACGTCTTCACAGATTATGTCGTCGCAGAGGACAGTCCCAGTG[TCA>T]CAGACACAGATCCGGCAGGGCTCCGGCTTCCACACATCCTTATCATTATACCTCTGCCCA-3'